The following is an entry in ClinVar:

NM_001003800.2(BICD2):c.782T>C (p.Leu261Pro)

Gene: BICD2 (BICD cargo adaptor 2; minus strand). Cytogenetic location: 9q22.31.
Variant type: single nucleotide variant.
Coding change: c.782T>C on transcript NM_001003800.2 (MANE Select); coding-DNA position 782, T replaced by C.
Protein change: p.Leu261Pro; replaces leucine 261 with proline.
Molecular consequence: missense variant.
Genome position (GRCh38, 1-based): chr9:92,720,580, A>G on the plus strand (T>C on the coding strand, the complement: BICD2 is on the minus strand). VCF-style: chr9-92720580-A-G. GRCh37 (hg19) VCF-style: chr9-95482862-A-G.
Other names: c.782T>C, p.Leu261Pro (NM_015250.4); short protein forms L261P.
Identifiers: ClinVar variation 3650238 (VCV003650238.2).

ClinVar aggregate classification (germline): Uncertain significance (1 of 4 stars; one submission).

Conditions:
Autosomal dominant childhood-onset proximal spinal muscular atrophy with contractures (SMALED2A). Also called: SPINAL MUSCULAR ATROPHY, LOWER EXTREMITY-PREDOMINANT, 2A, CHILDHOOD ONSET, AUTOSOMAL DOMINANT; Spinal muscular atrophy, lower extremity-predominant, 2A, autosomal dominant. Identifiers: Orphanet 363447, Orphanet 363454, MedGen C4747715, MONDO:0014121, OMIM 615290.

Submission:

Labcorp Genetics (formerly Invitae), Labcorp
Classification: Uncertain significance for Autosomal dominant childhood-onset proximal spinal muscular atrophy with contractures. Last evaluated: 2024-08-31. Review status: criteria provided, single submitter. Criteria: Invitae Variant Classification Sherloc (09022015). Collection method: clinical testing. Allele origin: germline.
Comment: This sequence change replaces leucine, which is neutral and non-polar, with proline, which is neutral and non-polar, at codon 261 of the BICD2 protein (p.Leu261Pro). This variant is not present in population databases (gnomAD no frequency). This variant has not been reported in the literature in individuals affected with BICD2-related conditions. Invitae Evidence Modeling of protein sequence and biophysical properties (such as structural, functional, and spatial information, amino acid conservation, physicochemical variation, residue mobility, and thermodynamic stability) indicates that this missense variant is expected to disrupt BICD2 protein function with a positive predictive value of 80%. In summary, the available evidence is currently insufficient to determine the role of this variant in disease. Therefore, it has been classified as a Variant of Uncertain Significance.